The following is an entry in ClinVar:

NM_004184.4(WARS1):c.446C>A (p.Ala149Asp)

Gene: WARS1 (tryptophanyl-tRNA synthetase 1; minus strand). Cytogenetic location: 14q32.2.
Variant type: single nucleotide variant.
Coding change: c.446C>A on transcript NM_004184.4 (MANE Select); coding-DNA position 446, C replaced by A.
Protein change: p.Ala149Asp; replaces alanine 149 with aspartic acid.
Molecular consequence: missense variant.
Genome position (GRCh38, 1-based): chr14:100,354,543, G>T on the plus strand (C>A on the coding strand, the complement: WARS1 is on the minus strand). VCF-style: chr14-100354543-G-T. GRCh37 (hg19) VCF-style: chr14-100820880-G-T.
Other names: p.Ala149Asp; c.446C>A, p.Ala149Asp (NM_173701.2); c.323C>A, p.Ala108Asp (NM_213645.2, NM_213646.2); short protein forms A108D, A149D.
Identifiers: ClinVar variation 2455963 (VCV002455963.3), dbSNP rs201005516, ClinGen allele CA7345288.

ClinVar aggregate classification (germline): Uncertain significance. Review status: criteria provided, multiple submitters, no conflicts (2 of 4 stars). 2 submissions from 2 submitters: Uncertain significance (2). Last evaluated 2025-01-11.

Conditions:
Inborn genetic diseases. Identifiers: MedGen C0950123, MeSH D030342.

Allele frequency attached by ClinVar (database versions not stated): ExAC 0.00030; gnomAD 0.00019; ESP Exome Variant Server 0.00023; TOPMed 0.00033.
gnomAD v4.1: 384 of 1,613,010 alleles (0.024%); highest among the groups gnomAD compares: Middle Eastern, 0.049%; 3 homozygotes.

Submissions (2):

Mayo Clinic Laboratories, Mayo Clinic
Classification: Uncertain significance. Last evaluated: 2025-01-11. Review status: criteria provided, single submitter. Criteria: ACMG Guidelines, 2015. Collection method: clinical testing. Allele origin: germline. Observed: 1 variant allele.
Comment: BS2

Ambry Genetics
Classification: Uncertain significance for Inborn genetic diseases. Last evaluated: 2023-02-13. Review status: criteria provided, single submitter. Criteria: Ambry Variant Classification Scheme 2023. Collection method: clinical testing. Allele origin: germline.